The following is an entry in ClinVar:

ClinVar aggregate classification (germline): Uncertain significance (1 of 4 stars; one submission).

Conditions:
Cardiovascular phenotype. Identifiers: MedGen CN230736.

gnomAD v4.1: 4 of 1,613,872 alleles (0.00025%); highest among the groups gnomAD compares: Non-Finnish European, 0.00034%; no homozygotes.

Submission:

Ambry Genetics
Classification: Uncertain significance for Cardiovascular phenotype. Last evaluated: 2024-05-11. Review status: criteria provided, single submitter. Criteria: Ambry Variant Classification Scheme 2023. Collection method: clinical testing. Allele origin: germline.
Comment: The p.D3755Y variant (also known as c.11263G>T), located in coding exon 26 of the APOB gene, results from a G to T substitution at nucleotide position 11263. The aspartic acid at codon 3755 is replaced by tyrosine, an amino acid with highly dissimilar properties. This amino acid position is conserved. In addition, this alteration is predicted to be tolerated by in silico analysis. Based on the available evidence, the clinical significance of this variant remains unclear.

NM_000384.3(APOB):c.11263G>T (p.Asp3755Tyr)

Gene: APOB (apolipoprotein B; minus strand). Cytogenetic location: 2p24.1.
Variant type: single nucleotide variant.
Coding change: c.11263G>T on transcript NM_000384.3 (MANE Select); coding-DNA position 11263, G replaced by T.
Protein change: p.Asp3755Tyr; replaces aspartic acid 3755 with tyrosine.
Molecular consequence: missense variant.
Genome position (GRCh38, 1-based): chr2:21,005,605, C>A on the plus strand (G>T on the coding strand, the complement: APOB is on the minus strand). VCF-style: chr2-21005605-C-A. GRCh37 (hg19) VCF-style: chr2-21228477-C-A.
Other names: short protein forms D3755Y.
Identifiers: ClinVar variation 3307349 (VCV003307349.1).